The following is an entry in ClinVar:

ClinVar aggregate classification (germline): Benign/Likely benign. Review status: criteria provided, multiple submitters, no conflicts (2 of 4 stars). 8 submissions from 8 submitters: Benign (2); Likely benign (5). 1 of the submissions does not count toward it. Last evaluated 2026-05-01.

Conditions:
EFEMP2-related disorder. Also called: EFEMP2-related condition.
Cardiovascular phenotype. Identifiers: MedGen CN230736.
Cutis laxa, autosomal recessive, type 1B (ARCL1B). Also called: EFEMP2-Related Cutis Laxa; CUTIS LAXA, AUTOSOMAL RECESSIVE, TYPE IB. Identifiers: Orphanet 90349, MedGen C3280798, MONDO:0013754, OMIM 614437. Disease mechanism: loss of function.

Allele frequency attached by ClinVar (database versions not stated): gnomAD exomes 0.00021; ExAC 0.00024; 1000 Genomes Project 30x 0.00047; TOPMed 0.00104; ESP Exome Variant Server 0.00139; 1000 Genomes Project 0.00060; gnomAD 0.00083 and 0.00092.

Submissions (8):

CeGaT Center for Human Genetics Tuebingen
Classification: Likely benign. Last evaluated: 2026-05-01. Review status: criteria provided, single submitter. Criteria: CeGaT Center For Human Genetics Tuebingen Variant Classification Criteria Version 2. Collection method: clinical testing. Allele origin: germline. Affected: yes. Observed: 1 variant allele.
Comment: EFEMP2: BP4, BP7

Labcorp Genetics (formerly Invitae), Labcorp
Classification: Benign for Cutis laxa, autosomal recessive, type 1B. Last evaluated: 2026-01-26. Review status: criteria provided, single submitter. Criteria: Invitae Variant Classification Sherloc (09022015). Collection method: clinical testing. Allele origin: germline.

ARUP Laboratories, Molecular Genetics and Genomics, ARUP Laboratories
Classification: Likely benign for Cutis laxa, autosomal recessive, type 1B. Last evaluated: 2024-12-19. Review status: criteria provided, single submitter. Criteria: ARUP Molecular Germline Variant Investigation Process 2024. Collection method: clinical testing. Allele origin: germline.

Women's Health and Genetics/Laboratory Corporation of America, LabCorp
Classification: Likely benign. Last evaluated: 2023-08-24. Review status: criteria provided, single submitter. Criteria: LabCorp Variant Classification Summary - May 2015. Collection method: clinical testing. Allele origin: germline.

GeneDx
Classification: Likely benign. Last evaluated: 2021-06-21. Review status: criteria provided, single submitter. Criteria: GeneDx Variant Classification Process June 2021. Collection method: clinical testing. Allele origin: germline. Affected: yes.
Comment: This variant is associated with the following publications: (PMID: 27535533)

Ambry Genetics
Classification: Benign for Cardiovascular phenotype. Last evaluated: 2020-06-30. Review status: criteria provided, single submitter. Criteria: Ambry Variant Classification Scheme 2023. Collection method: clinical testing. Allele origin: germline.

Breakthrough Genomics
Classification: Likely benign. Review status: criteria provided, single submitter. Criteria: ACMG Guidelines, 2015. Collection method: not provided. Allele origin: germline. Inheritance: Autosomal recessive inheritance. Affected: yes.

PreventionGenetics, part of Exact Sciences
Classification: Likely benign for EFEMP2-related condition. Last evaluated: 2019-04-11. Review status: no assertion criteria provided. Collection method: clinical testing. Allele origin: germline. Not counted in ClinVar's aggregate classification.
Comment: This variant is classified as likely benign based on ACMG/AMP sequence variant interpretation guidelines (Richards et al. 2015 PMID: 25741868, with internal and published modifications).

NM_016938.5(EFEMP2):c.738G>A (p.Glu246=)

Gene: EFEMP2 (EGF-like fibulin extracellular matrix protein 2; minus strand). Cytogenetic location: 11q13.1.
Variant type: single nucleotide variant.
Coding change: c.738G>A on transcript NM_016938.5 (MANE Select); coding-DNA position 738, G replaced by A.
Protein change: p.Glu246=; no amino-acid change (glutamic acid 246 retained).
Molecular consequence: synonymous variant. On other transcripts: non-coding transcript variant (1).
Genome position (GRCh38, 1-based): chr11:65,868,619, C>T on the plus strand (G>A on the coding strand, the complement: EFEMP2 is on the minus strand). VCF-style: chr11-65868619-C-T. GRCh37 (hg19) VCF-style: chr11-65636090-C-T.
Identifiers: ClinVar variation 472830 (VCV000472830.21), dbSNP rs144780990, ClinGen allele CA6110533.